The following is an entry in ClinVar:

NM_000059.4(BRCA2):c.9227G>A (p.Gly3076Glu)

Gene: BRCA2 (BRCA2 DNA repair associated; plus strand). Cytogenetic location: 13q13.1.
Variant type: single nucleotide variant.
Coding change: c.9227G>A on transcript NM_000059.4 (MANE Select); coding-DNA position 9227, G replaced by A.
Protein change: p.Gly3076Glu; replaces glycine 3076 with glutamic acid.
Molecular consequence: missense variant.
Genome position (GRCh38, 1-based): chr13:32,380,116, G>A. VCF-style: chr13-32380116-G-A. GRCh37 (hg19) VCF-style: chr13-32954253-G-A.
Other names: NM_000059.4(BRCA2):c.9227G>A; short protein forms G3076E.
Identifiers: ClinVar variation 52780 (VCV000052780.33), dbSNP rs80359187, ClinGen allele CA026040.
Genomic context (GRCh38, chr13:32,380,116, plus strand): 5'-ACTTCAGCAAATTTTTAGATCCAGACTTTCAGCCATCTTGTTCTGAGGTGGACCTAATAG[G>A]ATTTGTCGTTTCTGTTGTGAAAAAAACAGGTAATGCACAATATAGTTAATTTTTTTTATT-3'
Protein context (NP_000050.3, residues 3066-3086): QPSCSEVDLI[Gly3076Glu]FVVSVVKKTG

ClinVar aggregate classification (germline): Likely pathogenic. Review status: reviewed by expert panel (3 of 4 stars). 12 submissions from 12 submitters: Likely pathogenic (1). 11 of the submissions do not count toward it. Last evaluated 2025-12-02.

Conditions:
BRCA2-related cancer predisposition. Identifiers: MedGen CN377758, MONDO:0700269.
Hereditary cancer-predisposing syndrome. Also called: Tumor predisposition; Neoplastic Syndromes, Hereditary; Hereditary Cancer Syndrome; Hereditary neoplastic syndrome. Identifiers: Orphanet 140162, MedGen C0027672, MeSH D009386, MONDO:0015356.
Hereditary breast ovarian cancer syndrome. Also called: Hereditary breast and ovarian cancer syndrome (HBOC); Hereditary breast and ovarian cancer syndrome; Hereditary breast and ovarian cancer; Hereditary breast and/or ovarian cancer syndrome; Breast and ovarian cancer; BRCA1- and BRCA2-Associated Hereditary Breast and Ovarian Cancer. Identifiers: Orphanet 145, MedGen C0677776, MeSH D061325, MONDO:0003582. Disease mechanism: loss of function.
Breast-ovarian cancer, familial, susceptibility to, 2 (BROVCA2). Also called: BRCA2 Hereditary Breast and Ovarian Cancer. Identifiers: Orphanet 145, MedGen C2675520, MONDO:0012933, OMIM 612555. Disease mechanism: loss of function.
Breast-ovarian cancer, familial, susceptibility to, 1 (BROVCA1). Also called: OVARIAN CANCER, SUSCEPTIBILITY TO; BRCA1 Hereditary Breast and Ovarian Cancer. Identifiers: Orphanet 145, MedGen C2676676, MONDO:0011450, OMIM 604370. Disease mechanism: loss of function.

Allele frequency attached by ClinVar (database versions not stated): gnomAD exomes below 0.00001; ExAC 0.00001.
gnomAD v4.1: 1 of 1,613,722 alleles (0.000062%); highest among the groups gnomAD compares: Non-Finnish European, 0.000085%; no homozygotes.

Submissions 1 to 7 of 12:

ClinGen ENIGMA BRCA1 and BRCA2 Variant Curation Expert Panel, ClinGen
Classification: Likely pathogenic for BRCA2-related cancer predisposition. Last evaluated: 2025-12-02. Review status: reviewed by expert panel. Criteria: CSpec BRCA12ACMG Rules Specifications V1.1. Collection method: curation. Allele origin: germline. Inheritance: Autosomal dominant inheritance.
Comment: The c.9227G>A variant in BRCA2 is a missense variant predicted to cause substitution of Glycine by Glutamic Acid at amino acid 3076 (p.(Gly3076Glu)). This variant is present in gnomAD v2.1 (exomes only, non-cancer subset) or gnomAD v3.1 (non-cancer subset) but is below the ENIGMA BRCA1/2 VCEP threshold >0.00002 for BS1_Supporting (PM2_Supporting, BS1, and BA1 are not met). Reported by four calibrated studies to exhibit protein function similar to pathogenic control variants (PMIDs:38417439, 32444794, 39779857, 39779848) (PS3 met). This BRCA2 missense variant is within a key functional domain and the computational predictor BayesDel (noAF) gives a score of 0.48, above the recommended threshold of 0.30 for prediction of impact on BRCA2 function via protein change. A SpliceAI score of 0 predicts no impact on splicing (score threshold <0.10) (PP3 met). Multifactorial likelihood ratio analysis using clinically calibrated data produced a combined LR for this variant of 44.26 (based on Cosegregation LR=1.81; Family History LR=24.47), within the thresholds for strong evidence towards pathogenicity (LR >18.7 & ≤350) (PP4_Strong met; PMID: 31853058, Internal lab contributor). In summary, this variant meets the criteria to be classified as a Likely pathogenic variant for BRCA2-related cancer predisposition based on the ACMG/AMP criteria applied as specified by the ENIGMA BRCA1/2 VCEP (PS3, PP3, PP4_Strong).

German Consortium for Hereditary Breast and Ovarian Cancer, University Hospital Cologne
Classification: Likely pathogenic for Hereditary breast ovarian cancer syndrome. Last evaluated: 2025-07-09. Review status: criteria provided, single submitter. Criteria: ClinGen BRCA2 V1.1.0. Collection method: curation. Allele origin: germline. Not counted in ClinVar's aggregate classification.
Comment: This classification follows the ClinGen ENIGMA BRCA2 v1.1.0 classification scheme; We chose these criteria: PS3 (strong pathogenic): Reported by two calibrated studies to exhibit protein function similar to pathogenic control variants (PMIDs:33609447, 32444794) , PP3 (supporting pathogenic): BayesDel (no AF) = 0.480582 (thus >=0.30), PP4 (strong pathogenic): Combined LR Score = 24.46734 (as per ENIGMA BRCA1/BRCA2 specs 1.1.0 Track Hub)

Ambry Genetics
Classification: Pathogenic for Hereditary cancer-predisposing syndrome. Last evaluated: 2025-02-03. Review status: criteria provided, single submitter. Criteria: Ambry Variant Classification Scheme 2023. Collection method: clinical testing. Allele origin: germline. Not counted in ClinVar's aggregate classification.
Comment: The p.G3076E pathogenic mutation (also known as c.9227G>A), located in coding exon 23 of the BRCA2 gene, results from a G to A substitution at nucleotide position 9227. The glycine at codon 3076 is replaced by glutamic acid, an amino acid with similar properties. This alteration has been predicted to be pathogenic using homology-directed DNA break repair (HDR) functional assays (Guidugli L et al. Cancer Res. 2013 Jan;73:265-75; Guidugli L et al. Am. J. Hum. Genet. 2018 02;102:233-248; Hart SN et al. Genet. Med. 2019 01;21:71-80). Additionally, this alteration has been predicted to be likely deleterious using a computational method that produces a probabilistic likelihood ratio predictive of whether a missense variant impairs protein function (Karchin R et al. Cancer Inform. 2008 Apr;6:203-16). Based on our internal structural analysis, this variant is anticipated to result in a significant decrease in structural stability (Ambry internal data; Yang H et al. Science. 2002 Sep;297:1837-48). This amino acid position is highly conserved in available vertebrate species. In addition, this alteration is predicted to be deleterious by in silico analysis. Based on the supporting evidence, this alteration is interpreted as a disease-causing mutation.

Labcorp Genetics (formerly Invitae), Labcorp
Classification: Pathogenic for Hereditary breast ovarian cancer syndrome. Last evaluated: 2024-12-13. Review status: criteria provided, single submitter. Criteria: Invitae Variant Classification Sherloc (09022015). Collection method: clinical testing. Allele origin: germline. Not counted in ClinVar's aggregate classification.
Comment: This sequence change replaces glycine, which is neutral and non-polar, with glutamic acid, which is acidic and polar, at codon 3076 of the BRCA2 protein (p.Gly3076Glu). This variant is present in population databases (rs80359187, gnomAD 0.0009%). This missense change has been observed in individual(s) with breast, ovarian, and/or pancreatic cancer (PMID: 11149425, 12569143, 22711857, 30078507). It has also been observed to segregate with disease in related individuals. ClinVar contains an entry for this variant (Variation ID: 52780). Invitae Evidence Modeling incorporating data from in vitro experimental studies (PMID: 33609447) indicates that this missense variant is expected to disrupt BRCA2 function with a positive predictive value of 95%. Experimental studies have shown that this missense change affects BRCA2 function (PMID: 19043619, 23108138, 29394989). This variant disrupts the p.Gly3076 amino acid residue in BRCA2. Other variant(s) that disrupt this residue have been determined to be pathogenic (PMID: 23108138, 29394989, 30254663, 32814805). This suggests that this residue is clinically significant, and that variants that disrupt this residue are likely to be disease-causing. For these reasons, this variant has been classified as Pathogenic.

Institute of Human Genetics, University of Leipzig Medical Center
Classification: Likely pathogenic for Breast-ovarian cancer, familial, susceptibility to, 1. Last evaluated: 2024-08-21. Review status: criteria provided, single submitter. Criteria: ACMG Guidelines, 2015. Collection method: clinical testing. Allele origin: unknown. Inheritance: Autosomal dominant inheritance. Affected: yes. Not counted in ClinVar's aggregate classification.
Comment: Criteria applied: PS3,PM2_SUP,PP3

Quest Diagnostics Nichols Institute San Juan Capistrano
Classification: Pathogenic. Last evaluated: 2024-05-08. Review status: criteria provided, single submitter. Criteria: Quest Diagnostics criteria. Collection method: clinical testing. Allele origin: unknown. Not counted in ClinVar's aggregate classification.
Comment: The BRCA2 c.9227G>A (p.Gly3076Glu) variant has been reported in the published literature in individuals with breast and/or ovarian cancer or pancreatic cancer (PMIDs: 11149425 (2001), 12569143 (2003), 20195775 (2010), 22711857 (2012), 28324225 (2017), 28888541 (2017), 30078507 (2018), and 30040829 (2018)). Experimental studies showed that this variant results in decreased activity in homology-directed recombination (HDR) assays (PMIDs: 23108138 (2013), 29394989 (2018), 29884841 (2019), 33609447 (2021), and 35736817 (2022)). In addition, a multifactorial likelihood analysis predicted the variant to be likely deleterious (PMID: 19043619 (2008)). The frequency of this variant in the general population, 0.000004 (1/250980 chromosomes (Genome Aggregation Database)), is uninformative in the assessment of its pathogenicity. Analysis of this variant using bioinformatics tools for the prediction of the effect of amino acid changes on protein structure and function yielded predictions that this variant is damaging. Based on the available information, this variant is classified as pathogenic.

GeneDx
Classification: Likely pathogenic. Last evaluated: 2024-01-05. Review status: criteria provided, single submitter. Criteria: GeneDx Variant Classification Process June 2021. Collection method: clinical testing. Allele origin: germline. Affected: yes. Not counted in ClinVar's aggregate classification.
Comment: In silico analysis supports that this missense variant does not alter protein structure/function; Not observed at significant frequency in large population cohorts (gnomAD); Also known as 9455G>A; This variant is associated with the following publications: (PMID: 19043619, 11149425, 19064968, 20195775, 18437078, 12569143, 23108138, 26402249, 28324225, 24323938, 22711857, 29161300, 29394989, 26295337, 12228710, 22632462, 29884841, 30113427, 35736817, 35665744, 35563554, 33609447, 34906479, 30078507, 29922827, 30040829, 28888541)